The following is an entry in ClinVar:

NM_000431.4(MVK):c.325G>C (p.Val109Leu)

Gene: MVK (mevalonate kinase; plus strand). Cytogenetic location: 12q24.11.
Variant type: single nucleotide variant.
Coding change: c.325G>C on transcript NM_000431.4 (MANE Select); coding-DNA position 325, G replaced by C.
Protein change: p.Val109Leu; replaces valine 109 with leucine.
Molecular consequence: missense variant. On other transcripts: 5 prime UTR variant (1), non-coding transcript variant (2).
Genome position (GRCh38, 1-based): chr12:109,579,900, G>C. VCF-style: chr12-109579900-G-C. GRCh37 (hg19) VCF-style: chr12-110017705-G-C.
Other names: c.325G>C, p.Val109Leu (NM_001114185.3, NM_001301182.2, NM_001414511.1 and 3 more transcripts); c.-258G>C (NM_001414515.1); short protein forms V109L.
Identifiers: ClinVar variation 3896399 (VCV003896399.3).

ClinVar aggregate classification (germline): Uncertain significance. Review status: criteria provided, multiple submitters, no conflicts (2 of 4 stars). 2 submissions from 2 submitters: Uncertain significance (2). Last evaluated 2025-04-08.

Conditions:
Porokeratosis 3, disseminated superficial actinic type (POROK3). Also called: POROKERATOSIS, DISSEMINATED SUPERFICIAL ACTINIC, 1; POROKERATOSIS 3, MULTIPLE TYPES; POROKERATOSIS 3, MIBELLI TYPE. Identifiers: MedGen C1867981, MONDO:0008293, OMIM 175900.
Mevalonic aciduria (MEVA). Identifiers: Orphanet 29, MedGen C1959626, MONDO:0012481, OMIM 610377.
Hyperimmunoglobulin D with periodic fever (HIDS). Also called: Hyperimmunoglobulinemia D with periodic fever; Hyperimmunoglobulinemia D; HYPERIMMUNOGLOBULINEMIA D AND PERIODIC FEVER SYNDROME. Identifiers: Orphanet 343, MedGen C0398691, MONDO:0009849, OMIM 260920.

gnomAD v4.1: 7 of 1,614,252 alleles (0.00043%); highest among the groups gnomAD compares: East Asian, 0.016%; no homozygotes.

Submissions (2):

Women's Health and Genetics/Laboratory Corporation of America, LabCorp
Classification: Uncertain significance. Last evaluated: 2025-04-08. Review status: criteria provided, single submitter. Criteria: LabCorp Variant Classification Summary - May 2015. Collection method: clinical testing. Allele origin: germline.
Comment: Variant summary: MVK c.325G>C (p.Val109Leu) results in a conservative amino acid change in the encoded protein sequence. Four of five in-silico tools predict a benign effect of the variant on protein function. The variant allele was found at a frequency of 4e-06 in 251476 control chromosomes. The available data on variant occurrences in the general population are insufficient to allow any conclusion about variant significance. To our knowledge, c.325G>C has not been reported in the literature in individuals affected with Hyperimmunoglobulin D with periodic fever and no experimental evidence demonstrating an impact on protein function has been reported. No submitters have cited clinical-significance assessments for this variant to ClinVar. Based on the evidence outlined above, the variant was classified as uncertain significance.

Labcorp Genetics (formerly Invitae), Labcorp
Classification: Uncertain significance for Mevalonic aciduria; Hyperimmunoglobulin D with periodic fever; Porokeratosis 3, disseminated superficial actinic type. Last evaluated: 2025-02-10. Review status: criteria provided, single submitter. Criteria: Invitae Variant Classification Sherloc (09022015). Collection method: clinical testing. Allele origin: germline.
Comment: This sequence change replaces valine, which is neutral and non-polar, with leucine, which is neutral and non-polar, at codon 109 of the MVK protein (p.Val109Leu). This variant is present in population databases (rs757008752, gnomAD 0.006%). This variant has not been reported in the literature in individuals affected with MVK-related conditions. An algorithm developed to predict the effect of missense changes on protein structure and function outputs the following: PolyPhen-2: "Benign". The leucine amino acid residue is found in multiple mammalian species, which suggests that this missense change does not adversely affect protein function. In summary, the available evidence is currently insufficient to determine the role of this variant in disease. Therefore, it has been classified as a Variant of Uncertain Significance.

Literature cited by the submitters: PubMed 33917151 (cited by Women's Health and Genetics/Laboratory Corporation of America, LabCorp).